The following is an entry in ClinVar:

NR_120611.1(NUTM2B-AS1):n.3428G>T

Gene: NUTM2B-AS1 (NUTM2B antisense RNA 1; minus strand). Cytogenetic location: 10q22.3.
Variant type: single nucleotide variant.
Molecular consequence: non-coding transcript variant (on NR_120611.1).
Genome position: GRCh38 VCF-style: chr10-79763599-C-A. GRCh37 (hg19) VCF-style: chr10-81523355-C-A.
Identifiers: ClinVar variation 3771723 (VCV003771723.13).
Genomic context (GRCh38, chr10:79,763,599, plus strand): 5'-CACATATGTGTTCAGCTTTGCATGTGTATTTCTGTGTGCATATAGAACATAGAAAAGAGT[C>A]TAGATTAGAAGATAATGTACTGACAATGTTCAAAGTGATTATTTCATCACGCAGGTAATA-3'

ClinVar aggregate classification (germline): Benign (1 of 4 stars; one submission).

Submission:

CeGaT Center for Human Genetics Tuebingen
Classification: Benign. Last evaluated: 2025-02-01. Review status: criteria provided, single submitter. Criteria: CeGaT Center For Human Genetics Tuebingen Variant Classification Criteria Version 2. Collection method: clinical testing. Allele origin: germline. Affected: yes. Observed: 1 variant allele.
Comment: NUTM2B-AS1: BS1, BS2